The following is an entry in ClinVar:

NM_006231.4(POLE):c.4985A>C (p.Glu1662Ala)

Gene: POLE (DNA polymerase epsilon, catalytic subunit; minus strand). Cytogenetic location: 12q24.33.
Variant type: single nucleotide variant.
Coding change: c.4985A>C on transcript NM_006231.4 (MANE Select); coding-DNA position 4985, A replaced by C.
Protein change: p.Glu1662Ala; replaces glutamic acid 1662 with alanine.
Molecular consequence: missense variant.
Genome position (GRCh38, 1-based): chr12:132,642,365, T>G on the plus strand (A>C on the coding strand, the complement: POLE is on the minus strand). VCF-style: chr12-132642365-T-G. GRCh37 (hg19) VCF-style: chr12-133218951-T-G.
Other names: short protein forms E1662A.
Identifiers: ClinVar variation 646081 (VCV000646081.10), dbSNP rs755176384, ClinGen allele CA387377541.
Genomic context (GRCh38, chr12:132,642,365, plus strand): 5'-TGGTTGTGGCGCTGGAGGTGGCGGGCAAAGAAGAGGTCGGAGCCGAATGTGGAGATGTCC[T>G]CTGGTAGGTTCCCAATGGGAATGTGAAAGTACCTGCACCAGGGCACAGGTCAGCACCGGG-3'
Protein context (NP_006222.2, residues 1652-1672): YFHIPIGNLP[Glu1662Ala]DISTFGSDLF

ClinVar aggregate classification (germline): Uncertain significance (1 of 4 stars; one submission).

Submission:

Labcorp Genetics (formerly Invitae), Labcorp
Classification: Uncertain significance. Last evaluated: 2019-11-09. Review status: criteria provided, single submitter. Criteria: Invitae Variant Classification Sherloc (09022015). Collection method: clinical testing. Allele origin: germline.
Comment: This variant has not been reported in the literature in individuals with POLE-related disease. This variant is not present in population databases (ExAC no frequency). This sequence change replaces glutamic acid with alanine at codon 1662 of the POLE protein (p.Glu1662Ala). The glutamic acid residue is weakly conserved and there is a moderate physicochemical difference between glutamic acid and alanine. Algorithms developed to predict the effect of missense changes on protein structure and function (SIFT, PolyPhen-2, Align-GVGD) all suggest that this variant is likely to be tolerated, but these predictions have not been confirmed by published functional studies and their clinical significance is uncertain. In summary, the available evidence is currently insufficient to determine the role of this variant in disease. Therefore, it has been classified as a Variant of Uncertain Significance.